The following is an entry in ClinVar:

NM_022124.6(CDH23):c.7127A>T (p.Asp2376Val)

Gene: CDH23 (cadherin related 23; plus strand). Cytogenetic location: 10q22.1.
Variant type: single nucleotide variant.
Coding change: c.7127A>T on transcript NM_022124.6 (MANE Select); coding-DNA position 7127, A replaced by T.
Protein change: p.Asp2376Val; replaces aspartic acid 2376 with valine.
Molecular consequence: missense variant.
Genome position (GRCh38, 1-based): chr10:71,799,183, A>T. VCF-style: chr10-71799183-A-T. GRCh37 (hg19) VCF-style: chr10-73558940-A-T.
Other names: c.407A>T, p.Asp136Val (NM_001171934.1, NM_001171933.1); short protein forms D136V, D2376V.
Identifiers: ClinVar variation 3775871 (VCV003775871.1).

ClinVar aggregate classification (germline): Uncertain significance (1 of 4 stars; one submission).

Conditions:
Usher syndrome type 1D (USH1D). Also called: USHER SYNDROME, TYPE ID. Identifiers: Orphanet 231169, Orphanet 886, MedGen C1832845, MONDO:0010984, OMIM 601067.

Submission:

3billion
Classification: Uncertain significance for Usher syndrome type 1D. Last evaluated: 2023-11-21. Review status: criteria provided, single submitter. Criteria: ACMG Guidelines, 2015. Collection method: clinical testing. Allele origin: germline. Affected: yes.
Comment: The variant is not observed in the gnomAD v2.1.1 dataset. Predicted Consequence/Location: The majority of the known disease-causing variants of this gene are variants expected to result in premature termination of the protein. Premature termination of the protein is a common disease-causing mechanism for this gene. In silico tool predictions suggest damaging effect of the variant on gene or gene product [REVEL: 0.87 (>=0.6, sensitivity 0.68 and specificity 0.92)]. Same nucleotide change resulting in same amino acid change has been previously reported to be associated with CDH23-related disorder (PMID: 18429043). However, the evidence of pathogenicity is insufficient at this time. Therefore, this variant is classified as VUS according to the recommendation of ACMG/AMP guideline.

Literature cited by the submitters: PubMed 18429043.